The following is an entry in ClinVar:

ClinVar aggregate classification (germline): Uncertain significance. Review status: criteria provided, multiple submitters, no conflicts (2 of 4 stars). 3 submissions from 3 submitters: Uncertain significance (3). Last evaluated 2025-12-01.

Conditions:
Inborn genetic diseases. Identifiers: MedGen C0950123, MeSH D030342.

Allele frequency attached by ClinVar (database versions not stated): gnomAD 0.00002 and 0.00003; TOPMed 0.00002; gnomAD exomes 0.00003 and 0.00004; ExAC 0.00005; ESP Exome Variant Server 0.00008.
gnomAD v4.1: 48 of 1,613,888 alleles (0.003%); highest among the groups gnomAD compares: Admixed American, 0.005%; no homozygotes.

Submissions (3):

Labcorp Genetics (formerly Invitae), Labcorp
Classification: Uncertain significance. Last evaluated: 2025-12-01. Review status: criteria provided, single submitter. Criteria: Invitae Variant Classification Sherloc (09022015). Collection method: clinical testing. Allele origin: germline.
Comment: This sequence change replaces arginine, which is basic and polar, with tryptophan, which is neutral and slightly polar, at codon 879 of the DCHS1 protein (p.Arg879Trp). This variant is present in population databases (rs139750490, gnomAD 0.01%). This variant has not been reported in the literature in individuals affected with DCHS1-related conditions. ClinVar contains an entry for this variant (Variation ID: 1193690). Invitae Evidence Modeling of protein sequence and biophysical properties (such as structural, functional, and spatial information, amino acid conservation, physicochemical variation, residue mobility, and thermodynamic stability) indicates that this missense variant is not expected to disrupt DCHS1 protein function with a negative predictive value of 80%. In summary, the available evidence is currently insufficient to determine the role of this variant in disease. Therefore, it has been classified as a Variant of Uncertain Significance.

Ambry Genetics
Classification: Uncertain significance for Inborn genetic diseases. Last evaluated: 2021-07-21. Review status: criteria provided, single submitter. Criteria: Ambry Variant Classification Scheme 2023. Collection method: clinical testing. Allele origin: germline.

GeneDx
Classification: Uncertain significance. Last evaluated: 2021-01-11. Review status: criteria provided, single submitter. Criteria: GeneDx Variant Classification Process June 2021. Collection method: clinical testing. Allele origin: germline. Affected: yes.
Comment: In silico analysis supports that this missense variant has a deleterious effect on protein structure/function; Has not been previously published as pathogenic or benign to our knowledge

NM_003737.4(DCHS1):c.2635C>T (p.Arg879Trp)

Gene: DCHS1 (dachsous cadherin-related 1; minus strand). Cytogenetic location: 11p15.4.
Variant type: single nucleotide variant.
Coding change: c.2635C>T on transcript NM_003737.4 (MANE Select); coding-DNA position 2635, C replaced by T.
Protein change: p.Arg879Trp; replaces arginine 879 with tryptophan.
Molecular consequence: missense variant.
Genome position (GRCh38, 1-based): chr11:6,632,877, G>A on the plus strand (C>T on the coding strand, the complement: DCHS1 is on the minus strand). VCF-style: chr11-6632877-G-A. GRCh37 (hg19) VCF-style: chr11-6654108-G-A.
Other names: c.2635C>T (NM_003737.2); short protein forms R879W.
Identifiers: ClinVar variation 1193690 (VCV001193690.11), dbSNP rs139750490, ClinGen allele CA5860687.